The following is an entry in ClinVar:

ClinVar aggregate classification (germline): Uncertain significance (1 of 4 stars; one submission).

Conditions:
Schimke immuno-osseous dysplasia (SIOD). Also called: Schimke Immunoosseous Dysplasia. Identifiers: Orphanet 1830, MedGen C0877024, MONDO:0009458, OMIM 242900.

Allele frequency attached by ClinVar (database versions not stated): gnomAD exomes below 0.00001 and 0.00001; ExAC 0.00001; gnomAD 0.00001; TOPMed 0.00001; ESP Exome Variant Server 0.00008.
gnomAD v4.1: 14 of 1,614,074 alleles (0.00087%); highest among the groups gnomAD compares: Non-Finnish European, 0.0011%; no homozygotes.

Submission:

Labcorp Genetics (formerly Invitae), Labcorp
Classification: Uncertain significance for Schimke immuno-osseous dysplasia. Last evaluated: 2022-04-26. Review status: criteria provided, single submitter. Criteria: Invitae Variant Classification Sherloc (09022015). Collection method: clinical testing. Allele origin: germline.
Comment: This sequence change replaces valine, which is neutral and non-polar, with isoleucine, which is neutral and non-polar, at codon 852 of the SMARCAL1 protein (p.Val852Ile). This variant is present in population databases (rs143378530, gnomAD 0.0009%). This variant has not been reported in the literature in individuals affected with SMARCAL1-related conditions. Algorithms developed to predict the effect of missense changes on protein structure and function output the following: SIFT: "Tolerated"; PolyPhen-2: "Benign"; Align-GVGD: "Class C0". The isoleucine amino acid residue is found in multiple mammalian species, which suggests that this missense change does not adversely affect protein function. In summary, the available evidence is currently insufficient to determine the role of this variant in disease. Therefore, it has been classified as a Variant of Uncertain Significance.

NM_014140.4(SMARCAL1):c.2554G>A (p.Val852Ile)

Gene: SMARCAL1 (SNF2 related chromatin remodeling annealing helicase 1; plus strand). Cytogenetic location: 2q35.
Variant type: single nucleotide variant.
Coding change: c.2554G>A on transcript NM_014140.4 (MANE Select); coding-DNA position 2554, G replaced by A.
Protein change: p.Val852Ile; replaces valine 852 with isoleucine.
Molecular consequence: missense variant.
Genome position (GRCh38, 1-based): chr2:216,478,228, G>A. VCF-style: chr2-216478228-G-A. GRCh37 (hg19) VCF-style: chr2-217342951-G-A.
Other names: c.2554G>A, p.Val852Ile (NM_001127207.2); short protein forms V852I.
Identifiers: ClinVar variation 1428567 (VCV001428567.5), dbSNP rs143378530, ClinGen allele CA2098247.